The following is an entry in ClinVar:

NM_000384.3(APOB):c.11065A>C (p.Lys3689Gln)

Gene: APOB (apolipoprotein B; minus strand). Cytogenetic location: 2p24.1.
Variant type: single nucleotide variant.
Coding change: c.11065A>C on transcript NM_000384.3 (MANE Select); coding-DNA position 11065, A replaced by C.
Protein change: p.Lys3689Gln; replaces lysine 3689 with glutamine.
Molecular consequence: missense variant.
Genome position (GRCh38, 1-based): chr2:21,005,803, T>G on the plus strand (A>C on the coding strand, the complement: APOB is on the minus strand). VCF-style: chr2-21005803-T-G. GRCh37 (hg19) VCF-style: chr2-21228675-T-G.
Other names: short protein forms K3689Q.
Identifiers: ClinVar variation 3376552 (VCV003376552.1).

ClinVar aggregate classification (germline): Uncertain significance (1 of 4 stars; one submission).

Conditions:
Hypercholesterolemia, autosomal dominant, type B (FHCL2). Also called: Familial hypercholesterolemia 2; APOB-Related Familial Hypercholesterolemia, Autosomal Dominant; APOLIPOPROTEIN B-100, FAMILIAL DEFECTIVE; APOLIPOPROTEIN B-100, FAMILIAL LIGAND-DEFECTIVE; HYPERCHOLESTEROLEMIA, FAMILIAL, DUE TO LIGAND-DEFECTIVE APOLIPOPROTEIN B; Familial Hypercholesterolemia Type B. Identifiers: MedGen C1704417, MONDO:0007751, OMIM 144010.

gnomAD v4.1: 19 of 1,614,008 alleles (0.0012%); highest among the groups gnomAD compares: Non-Finnish European, 0.0016%; no homozygotes.

Submission:

Victorian Clinical Genetics Services, Murdoch Childrens Research Institute
Classification: Uncertain significance for Hypercholesterolemia, autosomal dominant, type B. Last evaluated: 2022-06-24. Review status: criteria provided, single submitter. Criteria: ACMG Guidelines, 2015. Collection method: clinical testing. Allele origin: germline. Inheritance: Autosomal dominant inheritance.
Comment: Based on the classification scheme VCGS_Germline_v1.3.4, this variant is classified as VUS-3C. Following criteria are met: 0102 - Loss of function is a known mechanism of disease in this gene and is associated with familial hypercholesterolemia (MIM#144010) and hypobetalipoproteinemia (MIM#615558). (I) 0108 - This gene is associated with both recessive and dominant disease. Familial hypercholesterolemia 2 (MIM#144010) is inherited in an autosomal dominant manner, whereas hypobetalipoproteinemia (MIM#615558) is recessive (OMIM). (I) 0112 - The condition associated with this gene has incomplete penetrance associated with autosomal dominant familial hypercholesterolemia (MIM#144010) (PMID: 24404629). (I) 0200 - Variant is predicted to result in a missense amino acid change from lysine to glutamine. (I) 0251 - This variant is heterozygous. (I) 0304 - Variant is present in gnomAD <0.01 for a condition (v2: 1 heterozygote, 0 homozygotes). (SP) 0504 - Same amino acid change has been observed in placental mammals. (SB) 0604 - Variant is not located in an established domain, motif, hotspot or informative constraint region. (I) 0705 - No comparable missense variants have previous evidence for pathogenicity. (I) 0807 - This variant has no previous evidence of pathogenicity. (I) 0905 - No published segregation evidence has been identified for this variant. (I) 1007 - No published functional evidence has been identified for this variant. (I) 1208 - Inheritance information for this variant is not currently available in this individual. (I) Legend: (SP) - Supporting pathogenic, (I) - Information, (SB) - Supporting benign

Literature cited by the submitters: PubMed 24404629.